The following is an entry in ClinVar:

ClinVar aggregate classification (germline): Likely benign (0 of 4 stars; one submission).

Conditions:
SLC6A19-related disorder. Also called: SLC6A19-related condition.

Allele frequency attached by ClinVar (database versions not stated): TOPMed 0.00002; gnomAD 0.00003; ESP Exome Variant Server 0.00008.
gnomAD v4.1: 10 of 1,613,790 alleles (0.00062%); highest among the groups gnomAD compares: African/African-American, 0.008%; no homozygotes.

Submission:

PreventionGenetics, part of Exact Sciences
Classification: Likely benign for SLC6A19-related condition. Last evaluated: 2019-06-26. Review status: no assertion criteria provided. Collection method: clinical testing. Allele origin: germline.
Comment: This variant is classified as likely benign based on ACMG/AMP sequence variant interpretation guidelines (Richards et al. 2015 PMID: 25741868, with internal and published modifications).

NM_001003841.3(SLC6A19):c.1702-3C>T

Gene: SLC6A19 (solute carrier family 6 member 19; plus strand). Cytogenetic location: 5p15.33.
Variant type: single nucleotide variant.
Coding change: c.1702-3C>T on transcript NM_001003841.3 (MANE Select); 3 bases into the intron before coding-DNA position 1702, C replaced by T.
Molecular consequence: intron variant.
Genome position (GRCh38, 1-based): chr5:1,221,698, C>T. VCF-style: chr5-1221698-C-T. GRCh37 (hg19) VCF-style: chr5-1221813-C-T.
Identifiers: ClinVar variation 3042545 (VCV003042545.2), dbSNP rs375562965, ClinGen allele CA112949006.